The following is an entry in ClinVar:

NM_032119.4(ADGRV1):c.9586C>G (p.Pro3196Ala)

Gene: ADGRV1 (adhesion G protein-coupled receptor V1; plus strand). Cytogenetic location: 5q14.3.
Variant type: single nucleotide variant.
Coding change: c.9586C>G on transcript NM_032119.4 (MANE Select); coding-DNA position 9586, C replaced by G.
Protein change: p.Pro3196Ala; replaces proline 3196 with alanine.
Molecular consequence: missense variant. On other transcripts: non-coding transcript variant (1).
Genome position (GRCh38, 1-based): chr5:90,720,186, C>G. VCF-style: chr5-90720186-C-G. GRCh37 (hg19) VCF-style: chr5-90016003-C-G.
Other names: short protein forms P3196A.
Identifiers: ClinVar variation 2038739 (VCV002038739.4), dbSNP rs2531257970, ClinGen allele CA360399960.
Genomic context (GRCh38, chr5:90,720,186, plus strand): 5'-GGAGGTGCTAGACTAGGGGTGCATGTTCAAACCCTGATAACAGTTTTGCAAAACCAGGCC[C>G]CTTTGGGGCTATTCAGTATCTCTGCAGTTGAAAATAGGTATAGTTTATTCATAAGGAAAT-3'
Protein context (NP_115495.3, residues 3186-3206): TLITVLQNQA[Pro3196Ala]LGLFSISAVE

ClinVar aggregate classification (germline): Uncertain significance (1 of 4 stars; one submission).

Submission:

Labcorp Genetics (formerly Invitae), Labcorp
Classification: Uncertain significance. Last evaluated: 2022-10-05. Review status: criteria provided, single submitter. Criteria: Invitae Variant Classification Sherloc (09022015). Collection method: clinical testing. Allele origin: germline.
Comment: Advanced modeling of protein sequence and biophysical properties (such as structural, functional, and spatial information, amino acid conservation, physicochemical variation, residue mobility, and thermodynamic stability) performed at Invitae indicates that this missense variant is not expected to disrupt ADGRV1 protein function. This sequence change replaces proline, which is neutral and non-polar, with alanine, which is neutral and non-polar, at codon 3196 of the ADGRV1 protein (p.Pro3196Ala). This variant is not present in population databases (gnomAD no frequency). This variant has not been reported in the literature in individuals affected with ADGRV1-related conditions. In summary, the available evidence is currently insufficient to determine the role of this variant in disease. Therefore, it has been classified as a Variant of Uncertain Significance.